The following is an entry in ClinVar:

NM_000540.3(RYR1):c.14509C>G (p.Gln4837Glu)

Gene: RYR1 (ryanodine receptor 1; plus strand). Cytogenetic location: 19q13.2.
Variant type: single nucleotide variant.
Coding change: c.14509C>G on transcript NM_000540.3 (MANE Select); coding-DNA position 14509, C replaced by G.
Protein change: p.Gln4837Glu; replaces glutamine 4837 with glutamic acid.
Molecular consequence: missense variant.
Genome position (GRCh38, 1-based): chr19:38,580,126, C>G. VCF-style: chr19-38580126-C-G. GRCh37 (hg19) VCF-style: chr19-39070766-C-G.
Other names: c.14494C>G, p.Gln4832Glu (NM_001042723.2); c.14509C>G (NM_000540.2); short protein forms Q4837E, Q4832E.
Identifiers: ClinVar variation 590454 (VCV000590454.6), dbSNP rs1568604577, ClinGen allele CA405687465.

ClinVar aggregate classification (germline): Uncertain significance. Review status: reviewed by expert panel (3 of 4 stars). 2 submissions from 2 submitters: Uncertain significance (1). 1 of the submissions does not count toward it. Last evaluated 2025-08-01.

Conditions:
Malignant hyperthermia of anesthesia. Also called: Anesthesic-triggered malignant hyperthermia. Identifiers: Orphanet 423, MedGen C0024591, MONDO:0018493, HP:0034733.

Submissions (2):

ClinGen Malignant Hyperthermia Susceptibility Variant Curation Expert Panel, ClinGen
Classification: Uncertain significance for Malignant hyperthermia of anesthesia. Last evaluated: 2025-08-01. Review status: reviewed by expert panel. Criteria: ClinGen MHS ACMG Specifications V2. Collection method: curation. Allele origin: germline. Inheritance: Autosomal dominant inheritance.
Comment: This pathogenicity assessment is relevant only for malignant hyperthermia susceptibility (MHS) inherited in an autosomal dominant pattern. Variants in RYR1 can also cause other myopathies inherited in an autosomal dominant pattern or in an autosomal recessive pattern. Some of these disorders may predispose individuals to malignant hyperthermia. RYR1 variants may also contribute to a malignant hyperthermia reaction in combination with other genetic and non-genetic factors and the clinician needs to consider such factors in making management decisions. This sequence variant predicts a substitution of glutamine with glutamic acid at codon 4837 of the RYR1 protein, p.(Gln4837Glu). This variant was not present in a large population database (gnomAD) at the time this variant was interpreted. This variant has been reported in an individual with a personal or family history of an MH episode and a positive in vitro contracture test (IVCT) or caffeine halothane contracture test (CHCT) result (if the proband was unavailable for testing, a positive diagnostic test result in a mutation-positive relative was counted), PS4_Supporting (PMID:23558838). No functional studies were identified for this variant. This variant resides in a region of RYR1 considered to be a hotspot for pathogenic variants that contribute to MHS, PM1_Supporting (PMID: 21118704). A REVEL score >0.85 (0.914) supports a pathogenic status for this variant, PP3_Moderate. This variant has been classified as a Variant of Unknown Significance. Criteria implemented: PS4_Supporting, PM1_Supporting, PP3_Moderate.

PreventionGenetics, part of Exact Sciences
Classification: Uncertain significance. Last evaluated: 2017-10-20. Review status: criteria provided, single submitter. Criteria: ACMG Guidelines, 2015. Collection method: clinical testing. Allele origin: germline. Not counted in ClinVar's aggregate classification.